The following is an entry in ClinVar:

ClinVar aggregate classification (germline): Uncertain significance (1 of 4 stars; one submission).

Conditions:
Inborn genetic diseases. Identifiers: MedGen C0950123, MeSH D030342.

Submission:

Ambry Genetics
Classification: Uncertain significance for Inborn genetic diseases. Last evaluated: 2021-09-23. Review status: criteria provided, single submitter. Criteria: Ambry Variant Classification Scheme 2023. Collection method: clinical testing. Allele origin: germline.
Comment: The p.I150N variant (also known as c.449T>A), located in coding exon 5 of the MDH2 gene, results from a T to A substitution at nucleotide position 449. The isoleucine at codon 150 is replaced by asparagine, an amino acid with dissimilar properties. This amino acid position is conserved. In addition, this alteration is predicted to be deleterious by in silico analysis. Since supporting evidence is limited at this time, the clinical significance of this alteration remains unclear.

NM_005918.4(MDH2):c.449T>A (p.Ile150Asn)

Gene: MDH2 (malate dehydrogenase 2; plus strand). Cytogenetic location: 7q11.23.
Variant type: single nucleotide variant.
Coding change: c.449T>A on transcript NM_005918.4 (MANE Select); coding-DNA position 449, T replaced by A.
Protein change: p.Ile150Asn; replaces isoleucine 150 with asparagine.
Molecular consequence: missense variant. On other transcripts: intron variant (1).
Genome position (GRCh38, 1-based): chr7:76,060,392, T>A. VCF-style: chr7-76060392-T-A. GRCh37 (hg19) VCF-style: chr7-75689710-T-A.
Other names: c.128T>A, p.Ile43Asn (NM_001282404.2); c.429+2314T>A (NM_001282403.2); short protein forms I43N, I150N.
Identifiers: ClinVar variation 1741023 (VCV001741023.2), dbSNP rs2535863751, ClinGen allele CA367764778.